The following is an entry in ClinVar:

NM_000368.5(TSC1):c.840A>G (p.Gln280=)

Gene: TSC1 (TSC complex subunit 1; minus strand). Cytogenetic location: 9q34.13.
Variant type: single nucleotide variant.
Coding change: c.840A>G on transcript NM_000368.5 (MANE Select); coding-DNA position 840, A replaced by G.
Protein change: p.Gln280=; no amino-acid change (glutamine 280 retained).
Molecular consequence: synonymous variant.
Genome position (GRCh38, 1-based): chr9:132,912,355, T>C on the plus strand (A>G on the coding strand, the complement: TSC1 is on the minus strand). VCF-style: chr9-132912355-T-C. GRCh37 (hg19) VCF-style: chr9-135787742-T-C.
Other names: c.840A>G, p.Gln280= (NM_001162426.2); c.687A>G, p.Gln229= (NM_001162427.2); c.477A>G, p.Gln159= (NM_001362177.2).
Identifiers: ClinVar variation 466157 (VCV000466157.35), dbSNP rs1171852730, ClinGen allele CA467593561.

ClinVar aggregate classification (germline): Conflicting classifications of pathogenicity. Review status: criteria provided, conflicting classifications (1 of 4 stars). 9 submissions from 9 submitters: Uncertain significance (1); Benign (4); Likely benign (4). Last evaluated 2025-12-30.

Conditions:
Hereditary cancer-predisposing syndrome. Also called: Hereditary neoplastic syndrome; Tumor predisposition; Neoplastic Syndromes, Hereditary; Hereditary Cancer Syndrome. Identifiers: Orphanet 140162, MedGen C0027672, MeSH D009386, MONDO:0015356.
Lymphangiomyomatosis (LAM). Also called: Lymphangioleiomyomatosis; Lymphangioleiomyomatosis, somatic. Identifiers: Orphanet 538, MedGen C0751674, MONDO:0011705, OMIM 606690.
Tuberous sclerosis 1 (TSC1). Identifiers: Orphanet 805, MedGen C1854465, MONDO:0008612, OMIM 191100.
Isolated focal cortical dysplasia type II (FCORD2). Also called: Focal cortical dysplasia type II; CORTICAL DYSPLASIA OF TAYLOR. Identifiers: Orphanet 268994, MedGen C1846385, MONDO:0011818, OMIM 607341, HP:0032051.
Tuberous sclerosis syndrome (TSC). Also called: Tuberous Sclerosis Complex; Tuberous sclerosis. Identifiers: Orphanet 805, MedGen C0041341, MONDO:0001734.

Allele frequency attached by ClinVar (database versions not stated): TOPMed 0.00002; gnomAD 0.00003; gnomAD exomes 0.00003.
gnomAD v4.1: 17 of 1,614,044 alleles (0.0011%); highest among the groups gnomAD compares: Admixed American, 0.015%; no homozygotes.

Submissions (9):

Labcorp Genetics (formerly Invitae), Labcorp
Classification: Benign for Tuberous sclerosis 1. Last evaluated: 2025-12-30. Review status: criteria provided, single submitter. Criteria: Invitae Variant Classification Sherloc (09022015). Collection method: clinical testing. Allele origin: germline.

Myriad Genetics, Inc.
Classification: Benign for Tuberous sclerosis 1. Last evaluated: 2025-04-08. Review status: criteria provided, single submitter. Criteria: Myriad Autosomal Dominant, Autosomal Recessive and X-Linked Classification Criteria (2023). Collection method: clinical testing. Allele origin: unknown.
Comment: This variant is considered benign. This variant is a silent/synonymous amino acid change and it is not expected to impact splicing.

CeGaT Center for Human Genetics Tuebingen
Classification: Likely benign. Last evaluated: 2025-01-01. Review status: criteria provided, single submitter. Criteria: CeGaT Center For Human Genetics Tuebingen Variant Classification Criteria Version 2. Collection method: clinical testing. Allele origin: germline. Affected: yes. Observed: 1 variant allele.
Comment: TSC1: BP4, BP7

Fulgent Genetics
Classification: Likely benign for Tuberous sclerosis 1; Lymphangiomyomatosis; Isolated focal cortical dysplasia type II. Last evaluated: 2024-02-14. Review status: criteria provided, single submitter. Criteria: ACMG Guidelines, 2015. Collection method: clinical testing. Allele origin: germline.

All of Us Research Program, National Institutes of Health
Classification: Benign for Tuberous sclerosis syndrome. Last evaluated: 2023-12-07. Review status: criteria provided, single submitter. Criteria: ACMG Guidelines, 2015. Collection method: clinical testing. Allele origin: germline. Inheritance: Autosomal dominant inheritance. Observed: 8 variant alleles, 8 heterozygotes.
Comment: This study involves interpretation of variants in research participants for the purpose of population health screening. Participant phenotype was not available at the time of variant classification. Additional details can be found in publication PMID: 35346344, PMCID: PMC8962531

Color Diagnostics, LLC DBA Color Health
Classification: Benign for Tuberous sclerosis syndrome. Last evaluated: 2022-05-26. Review status: criteria provided, single submitter. Criteria: ACMG Guidelines, 2015. Collection method: clinical testing. Allele origin: germline.

Genome-Nilou Lab
Classification: Likely benign for Tuberous sclerosis 1. Last evaluated: 2021-11-07. Review status: criteria provided, single submitter. Criteria: ACMG Guidelines, 2015. Collection method: clinical testing. Allele origin: germline. Affected: no.

GeneDx
Classification: Uncertain significance. Last evaluated: 2021-09-13. Review status: criteria provided, single submitter. Criteria: GeneDx Variant Classification Process June 2021. Collection method: clinical testing. Allele origin: germline. Affected: yes.
Comment: Has not been previously published as pathogenic or benign to our knowledge; In silico analysis, which includes splice predictors and evolutionary conservation, suggests this variant may impact gene splicing. In the absence of RNA/functional studies, the actual effect of this sequence change is unknown.

Ambry Genetics
Classification: Likely benign for Hereditary cancer-predisposing syndrome. Last evaluated: 2018-06-25. Review status: criteria provided, single submitter. Criteria: Ambry Variant Classification Scheme 2023. Collection method: clinical testing. Allele origin: germline.